The following is an entry in ClinVar:

NM_022835.3(PLEKHG2):c.2783C>T (p.Pro928Leu)

Gene: PLEKHG2 (pleckstrin homology and RhoGEF domain containing G2; plus strand). Cytogenetic location: 19q13.2.
Variant type: single nucleotide variant.
Coding change: c.2783C>T on transcript NM_022835.3 (MANE Select); coding-DNA position 2783, C replaced by T.
Protein change: p.Pro928Leu; replaces proline 928 with leucine.
Molecular consequence: missense variant. On other transcripts: intron variant (1).
Genome position (GRCh38, 1-based): chr19:39,423,916, C>T. VCF-style: chr19-39423916-C-T. GRCh37 (hg19) VCF-style: chr19-39914556-C-T.
Other names: c.2606C>T, p.Pro869Leu (NM_001351693.2); c.1678-1322C>T (NM_001351694.2); short protein forms P869L, P928L.
Identifiers: ClinVar variation 1980487 (VCV001980487.12), dbSNP rs746541218, ClinGen allele CA9429864.
Genomic context (GRCh38, chr19:39,423,916, plus strand): 5'-AGGGAGGCAGCCCGGATGGCCAGGGTCTACATGTTTCCAATTTGCCTAAGCAAGACCTTC[C>T]GGGCATCCACGTTTCAGCTGCTACCCTTTTGCCTGAGCAAGGAGGTTCCCGGCATGTCCA-3'
Protein context (NP_073746.2, residues 918-938): HVSNLPKQDL[Pro928Leu]GIHVSAATLL

ClinVar aggregate classification (germline): Uncertain significance. Review status: criteria provided, multiple submitters, no conflicts (2 of 4 stars). 2 submissions from 2 submitters: Uncertain significance (2). Last evaluated 2025-08-01.

Allele frequency attached by ClinVar (database versions not stated): gnomAD exomes 0.00004; ExAC 0.00005; gnomAD 0.00005; TOPMed 0.00005.

Submissions (2):

CeGaT Center for Human Genetics Tuebingen
Classification: Uncertain significance. Last evaluated: 2025-08-01. Review status: criteria provided, single submitter. Criteria: CeGaT Center For Human Genetics Tuebingen Variant Classification Criteria Version 2. Collection method: clinical testing. Allele origin: germline. Affected: yes. Observed: 1 variant allele.
Comment: PLEKHG2: PM2, BP4

Labcorp Genetics (formerly Invitae), Labcorp
Classification: Uncertain significance. Last evaluated: 2024-06-17. Review status: criteria provided, single submitter. Criteria: Invitae Variant Classification Sherloc (09022015). Collection method: clinical testing. Allele origin: germline.
Comment: This sequence change replaces proline, which is neutral and non-polar, with leucine, which is neutral and non-polar, at codon 928 of the PLEKHG2 protein (p.Pro928Leu). This variant is present in population databases (rs746541218, gnomAD 0.01%). This variant has not been reported in the literature in individuals affected with PLEKHG2-related conditions. ClinVar contains an entry for this variant (Variation ID: 1980487). Algorithms developed to predict the effect of missense changes on protein structure and function output the following: SIFT: "Not Available"; PolyPhen-2: "Benign"; Align-GVGD: "Not Available". The leucine amino acid residue is found in multiple mammalian species, which suggests that this missense change does not adversely affect protein function. In summary, the available evidence is currently insufficient to determine the role of this variant in disease. Therefore, it has been classified as a Variant of Uncertain Significance.